The following is an entry in ClinVar:

NM_004260.4(RECQL4):c.817G>A (p.Ala273Thr)

Gene: RECQL4 (RecQ like helicase 4; minus strand). Cytogenetic location: 8q24.3.
Variant type: single nucleotide variant.
Coding change: c.817G>A on transcript NM_004260.4 (MANE Select); coding-DNA position 817, G replaced by A.
Protein change: p.Ala273Thr; replaces alanine 273 with threonine.
Molecular consequence: missense variant.
Genome position (GRCh38, 1-based): chr8:144,516,302, C>T on the plus strand (G>A on the coding strand, the complement: RECQL4 is on the minus strand). VCF-style: chr8-144516302-C-T. GRCh37 (hg19) VCF-style: chr8-145741686-C-T.
Other names: short protein forms A273T.
Identifiers: ClinVar variation 239783 (VCV000239783.18), dbSNP rs34103564, ClinGen allele CA4949170.
Genomic context (GRCh38, chr8:144,516,302, plus strand): 5'-CTACAGCCCCAGCCCCCTCCGATGGGGGTCCAGCTTGGCTGCTCTCCTGCTGGACCTGTG[C>T]GGGGCTCTCCCAGGGCTCCTCGTTCCATCTCCGCTTCTCGCCTCCACTGCTGCTGGGCTG-3'
Protein context (NP_004251.4, residues 263-283): RWNEEPWESP[Ala273Thr]QVQQESSQAG

ClinVar aggregate classification (germline): Conflicting classifications of pathogenicity. Review status: criteria provided, conflicting classifications (1 of 4 stars). 6 submissions from 6 submitters: Uncertain significance (3); Likely benign (2). 1 of the submissions does not count toward it. Last evaluated 2026-10-01.

Conditions:
RECQL4-related disorder. Also called: RECQL4-related condition; RECQL4-related disorders.
Rothmund-Thomson syndrome type 2 (RTS2). Identifiers: Orphanet 221016, MedGen C5203410, MONDO:0016369, OMIM 268400.
Hereditary cancer-predisposing syndrome. Also called: Hereditary neoplastic syndrome; Hereditary Cancer Syndrome; Neoplastic Syndromes, Hereditary; Tumor predisposition. Identifiers: Orphanet 140162, MedGen C0027672, MeSH D009386, MONDO:0015356.
Baller-Gerold syndrome (BGS). Also called: CRANIOSYNOSTOSIS WITH RADIAL DEFECTS. Identifiers: Orphanet 1225, MedGen C0265308, MONDO:0009039, OMIM 218600.

Allele frequency attached by ClinVar (database versions not stated): gnomAD exomes 0.00015 and 0.00031; ESP Exome Variant Server 0.00016; ExAC 0.00031; TOPMed 0.00055; gnomAD 0.00059 and 0.00063; 1000 Genomes Project 30x 0.00062; 1000 Genomes Project 0.00080.
gnomAD v4.1: 311 of 1,609,868 alleles (0.019%); highest among the groups gnomAD compares: African/African-American, 0.16%; no homozygotes.

Submissions (6):

St. Jude Molecular Pathology, St. Jude Children's Research Hospital
Classification: Uncertain significance for Rothmund-Thomson syndrome type 2. Last evaluated: 2026-10-01. Review status: criteria provided, single submitter. Criteria: St. Jude Assertion Criteria 2020. Collection method: clinical testing. Allele origin: germline.
Comment: The RECQL4 c.817G>A p.(Ala273Thr) missense change has a maximum subpopulation frequency of 0.2% in gnomAD v2.1.1. In silico tools are inconclusive about a pathogenic or benign effect of this variant on protein function, and to ou r knowledge functional studies have not been performed. To our knowledge, this variant has not been reported in individuals with RECQL4-associated conditions. In summary, the evidence currently available is insufficient to determine the clinical significance of this variant. It has therefore been classified as of uncertain significance.

Labcorp Genetics (formerly Invitae), Labcorp
Classification: Likely benign for Baller-Gerold syndrome. Last evaluated: 2026-01-26. Review status: criteria provided, single submitter. Criteria: Invitae Variant Classification Sherloc (09022015). Collection method: clinical testing. Allele origin: germline.

Blueprint Genetics
Classification: Likely benign. Last evaluated: 2024-04-23. Review status: criteria provided, single submitter. Criteria: ACMG Guidelines, 2015. Collection method: clinical testing. Allele origin: germline.

Sema4
Classification: Uncertain significance for Hereditary cancer-predisposing syndrome. Last evaluated: 2022-02-07. Review status: criteria provided, single submitter. Criteria: Sema4 Curation Guidelines. Collection method: curation. Allele origin: germline.
Comment: The RECQL4 c.817G>A (p.A273T) variant has been reported in heterozygosity in at least 1 individual with pancreatic ductal adenocarcinoma (PMID: 32659497). It is also known as c.817C>T in the literature. This variant was observed in 96/272750 chromosomes across all populations in the large and broad cohorts in the Genome Aggregation Database (PMID: 32461654). This variant has been reported in ClinVar (Variation ID 239783). In silico tools suggest the impact of the variant on protein function is benign, though these predictions have not been confirmed by functional studies. The evidence is insufficient to meet ACMG/AMP criteria for classifying the variant as benign or pathogenic. Thus, the clinical significance of this variant is currently uncertain.

Revvity Omics, Revvity
Classification: Uncertain significance. Last evaluated: 2020-09-03. Review status: criteria provided, single submitter. Criteria: ACMG Guidelines, 2015. Collection method: clinical testing. Allele origin: germline.

PreventionGenetics, part of Exact Sciences
Classification: Likely benign for RECQL4-related condition. Last evaluated: 2022-07-21. Review status: no assertion criteria provided. Collection method: clinical testing. Allele origin: germline. Not counted in ClinVar's aggregate classification.
Comment: This variant is classified as likely benign based on ACMG/AMP sequence variant interpretation guidelines (Richards et al. 2015 PMID: 25741868, with internal and published modifications).

Literature cited by the submitters: PubMed 32659497 (cited by Sema4).